The following is an entry in ClinVar:

ClinVar aggregate classification (germline): Conflicting classifications of pathogenicity. Review status: criteria provided, conflicting classifications (1 of 4 stars). 2 submissions from 2 submitters: Uncertain significance (1); Benign (1). Last evaluated 2024-10-23.

Conditions:
Mowat-Wilson syndrome (MOWS). Also called: Classic Mowat-Wilson Syndrome. Identifiers: Orphanet 2152, MedGen C1856113, MONDO:0009341, OMIM 235730.

Allele frequency attached by ClinVar (database versions not stated): gnomAD exomes below 0.00001; TOPMed 0.00002.
gnomAD v4.1: 7 of 1,613,970 alleles (0.00043%); highest among the groups gnomAD compares: East Asian, 0.0022%; no homozygotes.

Submissions (2):

Labcorp Genetics (formerly Invitae), Labcorp
Classification: Benign for Mowat-Wilson syndrome. Last evaluated: 2024-10-23. Review status: criteria provided, single submitter. Criteria: Invitae Variant Classification Sherloc (09022015). Collection method: clinical testing. Allele origin: germline.

Neuberg Centre For Genomic Medicine, NCGM
Classification: Uncertain significance for Mowat-Wilson syndrome. Review status: criteria provided, single submitter. Criteria: ACMG Guidelines, 2015. Collection method: clinical testing. Allele origin: germline. Inheritance: Autosomal dominant inheritance. Affected: yes.
Comment: The missense c.2707G>A (p.Ala903Thr) variant in ZEB2 gene has been submitted to ClinVar as a Variant of Uncertain Significance, but no details are available for independent assessment. It has not been reported in affected individuals. The variant is observed in 0.0003% alleles in gnomAD Exomes and is novel (not in any individuals) in 1000 Genomes. The amino acid Ala at position 903 is changed to a Thr changing protein sequence and it might alter its composition and physico-chemical properties. The amino acid change p.Ala903Thr in ZEB2 is predicted as conserved by GERP++ and PhyloP across 100 vertebrates. For these reasons, this variant has been classified as Uncertain Significance

NM_014795.4(ZEB2):c.2707G>A (p.Ala903Thr)

Gene: ZEB2 (zinc finger E-box binding homeobox 2; minus strand). Cytogenetic location: 2q22.3.
Variant type: single nucleotide variant.
Coding change: c.2707G>A on transcript NM_014795.4 (MANE Select); coding-DNA position 2707, G replaced by A.
Protein change: p.Ala903Thr; replaces alanine 903 with threonine.
Molecular consequence: missense variant.
Genome position (GRCh38, 1-based): chr2:144,398,480, C>T on the plus strand (G>A on the coding strand, the complement: ZEB2 is on the minus strand). VCF-style: chr2-144398480-C-T. GRCh37 (hg19) VCF-style: chr2-145156047-C-T.
Other names: c.2635G>A, p.Ala879Thr (NM_001171653.2); short protein forms A879T, A903T.
Identifiers: ClinVar variation 841521 (VCV000841521.10), dbSNP rs730881200, ClinGen allele CA348707288.
Genomic context (GRCh38, chr2:144,398,480, plus strand): 5'-ATGGTCGTAGCCCAGGAATACTGGTCTGGACTGGTGGCATGAAAGTAGCAGGGGGAAATG[C>T]GCTTTGAGGTGGAAGAGCTGTGTATAAAGGTTTGGCACTAAATGGGTTCATGCTGAACAC-3'
Protein context (NP_055610.1, residues 893-913): PLYTALPPQS[Ala903Thr]FPPATFMPPV